The following is an entry in ClinVar:

NM_001267550.2(TTN):c.5422G>A (p.Glu1808Lys)

Gene: TTN (titin; minus strand). Cytogenetic location: 2q31.2.
Variant type: single nucleotide variant.
Coding change: c.5422G>A on transcript NM_001267550.2 (MANE Select); coding-DNA position 5422, G replaced by A.
Protein change: p.Glu1808Lys; replaces glutamic acid 1808 with lysine.
Molecular consequence: missense variant.
Genome position (GRCh38, 1-based): chr2:178,776,442, C>T on the plus strand (G>A on the coding strand, the complement: TTN is on the minus strand). VCF-style: chr2-178776442-C-T. GRCh37 (hg19) VCF-style: chr2-179641169-C-T.
Other names: c.5422G>A, p.Glu1808Lys (NM_001256850.1, NM_133378.4, NM_133379.5); c.5284G>A, p.Glu1762Lys (NM_003319.4, NM_133432.3, NM_133437.4); short protein forms E1762K, E1808K.
Identifiers: ClinVar variation 4070636 (VCV004070636.1).

ClinVar aggregate classification (germline): Uncertain significance (1 of 4 stars; one submission).

gnomAD v4.1: 1 of 1,609,448 alleles (0.000062%); highest among the groups gnomAD compares: Middle Eastern, 0.017%; no homozygotes.

Submission:

GeneDx
Classification: Uncertain significance. Last evaluated: 2025-01-16. Review status: criteria provided, single submitter. Criteria: GeneDx Variant Classification Process June 2021. Collection method: clinical testing. Allele origin: germline. Affected: yes.
Comment: Not observed at significant frequency in large population cohorts (gnomAD); Missense variant in a gene in which most reported pathogenic variants are truncating/loss of function; Has not been previously published as pathogenic or benign to our knowledge